The following is an entry in ClinVar:

NC_000004.11:g.(?_89183747)_(89199735_?)dup

Gene: PPM1K (protein phosphatase, Mg2+/Mn2+ dependent 1K; minus strand). Cytogenetic location: 4q22.1.
Variant type: Duplication.
Identifiers: ClinVar variation 3246686 (VCV003246686.1).

ClinVar aggregate classification (germline): Uncertain significance (1 of 4 stars; one submission).

Conditions:
Maple syrup urine disease, mild variant (MSUDMV). Identifiers: Orphanet 511, MedGen C3554575, MONDO:0014057, OMIM 615135.

Submission:

Labcorp Genetics (formerly Invitae), Labcorp
Classification: Uncertain significance for Maple syrup urine disease, mild variant. Last evaluated: 2024-01-08. Review status: criteria provided, single submitter. Criteria: Invitae Variant Classification Sherloc (09022015). Collection method: clinical testing. Allele origin: unknown.
Comment: A copy number gain of the genomic region encompassing the full coding sequence of the PPM1K gene has been identified. The boundaries of this event are unknown as they extend beyond the assayed region for this gene and therefore may encompass additional genes. As the precise location of this event is unknown, it may be in tandem or it may be located elsewhere in the genome. This variant has not been reported in the literature in individuals affected with PPM1K-related conditions. Experimental studies and prediction algorithms are not available or were not evaluated, and the functional significance of this variant is currently unknown. In summary, the available evidence is currently insufficient to determine the role of this variant in disease. Therefore, it has been classified as a Variant of Uncertain Significance.